The following is an entry in ClinVar:

NM_000038.6(APC):c.1272G>A (p.Gln424=)

Gene: APC (APC regulator of Wnt signaling pathway; plus strand). Cytogenetic location: 5q22.2.
Variant type: single nucleotide variant.
Coding change: c.1272G>A on transcript NM_000038.6 (MANE Select); coding-DNA position 1272, G replaced by A.
Protein change: p.Gln424=; no amino-acid change (glutamine 424 retained).
Molecular consequence: synonymous variant.
Genome position (GRCh38, 1-based): chr5:112,819,304, G>A. VCF-style: chr5-112819304-G-A. GRCh37 (hg19) VCF-style: chr5-112155001-G-A.
Other names: c.1272G>A, p.Gln424= (NM_001127510.3, NM_001354895.2, NM_001354896.2); c.1218G>A, p.Gln406= (NM_001127511.3); c.1302G>A, p.Gln434= (NM_001354897.2); c.1197G>A, p.Gln399= (NM_001354898.2); c.1188G>A, p.Gln396= (NM_001354899.2); c.1095G>A, p.Gln365= (NM_001354900.2, NM_001354901.2); c.999G>A, p.Gln333= (NM_001354902.2); c.969G>A, p.Gln323= (NM_001354903.2); and 3 more.
Identifiers: ClinVar variation 485142 (VCV000485142.23), dbSNP rs778975532, ClinGen allele CA026960.

ClinVar aggregate classification (germline): Benign/Likely benign. Review status: criteria provided, multiple submitters, no conflicts (2 of 4 stars). 8 submissions from 8 submitters: Benign (1); Likely benign (7). Last evaluated 2025-10-01.

Conditions:
Hereditary cancer-predisposing syndrome. Also called: Neoplastic Syndromes, Hereditary; Tumor predisposition; Hereditary Cancer Syndrome; Hereditary neoplastic syndrome. Identifiers: Orphanet 140162, MedGen C0027672, MeSH D009386, MONDO:0015356.
Familial adenomatous polyposis 1 (FAP1). Also called: FAMILIAL ADENOMATOUS POLYPOSIS 1, ATTENUATED; POLYPOSIS, ADENOMATOUS INTESTINAL. Identifiers: MedGen C2713442, MONDO:0021056, OMIM 175100. Disease mechanism: loss of function.
Classic or attenuated familial adenomatous polyposis. Identifiers: MedGen CN372698, MONDO:0021057.

Allele frequency attached by ClinVar (database versions not stated): gnomAD exomes 0.00001 and 0.00002; TOPMed 0.00001; ExAC 0.00002.
gnomAD v4.1: 6 of 1,614,038 alleles (0.00037%); highest among the groups gnomAD compares: Admixed American, 0.01%; no homozygotes.

Submissions (8):

Labcorp Genetics (formerly Invitae), Labcorp
Classification: Likely benign for Familial adenomatous polyposis 1. Last evaluated: 2025-10-01. Review status: criteria provided, single submitter. Criteria: Invitae Variant Classification Sherloc (09022015). Collection method: clinical testing. Allele origin: germline.

Myriad Genetics, Inc.
Classification: Benign for Familial adenomatous polyposis 1. Last evaluated: 2024-03-01. Review status: criteria provided, single submitter. Criteria: Myriad Autosomal Dominant, Autosomal Recessive and X-Linked Classification Criteria (2023). Collection method: clinical testing. Allele origin: unknown.
Comment: This variant is considered benign. This variant is a silent/synonymous amino acid change and it is not expected to impact splicing.

All of Us Research Program, National Institutes of Health
Classification: Likely benign for Classic or attenuated familial adenomatous polyposis. Last evaluated: 2023-10-02. Review status: criteria provided, single submitter. Criteria: ACMG Guidelines, 2015. Collection method: clinical testing. Allele origin: germline. Inheritance: Autosomal dominant inheritance. Observed: 1 variant allele, 1 heterozygote.
Comment: This study involves interpretation of variants in research participants for the purpose of population health screening. Participant phenotype was not available at the time of variant classification. Additional details can be found in publication PMID: 35346344, PMCID: PMC8962531

Quest Diagnostics Nichols Institute San Juan Capistrano
Classification: Likely benign. Last evaluated: 2022-12-15. Review status: criteria provided, single submitter. Criteria: Quest Diagnostics criteria. Collection method: clinical testing. Allele origin: unknown.

Women's Health and Genetics/Laboratory Corporation of America, LabCorp
Classification: Likely benign. Last evaluated: 2022-01-31. Review status: criteria provided, single submitter. Criteria: LabCorp Variant Classification Summary - May 2015. Collection method: clinical testing. Allele origin: germline.

GeneDx
Classification: Likely benign. Last evaluated: 2019-12-17. Review status: criteria provided, single submitter. Criteria: GeneDx Variant Classification Process June 2021. Collection method: clinical testing. Allele origin: germline. Affected: yes.

Ambry Genetics
Classification: Likely benign for Hereditary cancer-predisposing syndrome. Last evaluated: 2017-09-05. Review status: criteria provided, single submitter. Criteria: Ambry Variant Classification Scheme 2023. Collection method: clinical testing. Allele origin: germline.

Color Diagnostics, LLC DBA Color Health
Classification: Likely benign for Hereditary cancer-predisposing syndrome. Last evaluated: 2016-06-08. Review status: criteria provided, single submitter. Criteria: ACMG Guidelines, 2015. Collection method: clinical testing. Allele origin: germline.